The following is an entry in ClinVar:

ClinVar aggregate classification (germline): Uncertain significance. Review status: criteria provided, multiple submitters, no conflicts (2 of 4 stars). 2 submissions from 2 submitters: Uncertain significance (2). Last evaluated 2026-02-23.

Conditions:
Inborn genetic diseases. Identifiers: MedGen C0950123, MeSH D030342.

Submissions (2):

GeneDx
Classification: Uncertain significance. Last evaluated: 2026-02-23. Review status: criteria provided, single submitter. Criteria: GeneDx Variant Classification Process June 2021. Collection method: clinical testing. Allele origin: germline.
Comment: Not observed at significant frequency in large population cohorts (gnomAD); In silico analysis supports that this missense variant has a deleterious effect on protein structure/function; Has not been previously published as pathogenic or benign to our knowledge

Ambry Genetics
Classification: Uncertain significance for Inborn genetic diseases. Last evaluated: 2026-01-09. Review status: criteria provided, single submitter. Criteria: Ambry Variant Classification Scheme 2023. Collection method: clinical testing. Allele origin: germline.

NM_005529.7(HSPG2):c.3824G>A (p.Cys1275Tyr)

Gene: HSPG2 (heparan sulfate proteoglycan 2; minus strand). Cytogenetic location: 1p36.12.
Variant type: single nucleotide variant.
Coding change: c.3824G>A on transcript NM_005529.7 (MANE Select); coding-DNA position 3824, G replaced by A.
Protein change: p.Cys1275Tyr; replaces cysteine 1275 with tyrosine.
Molecular consequence: missense variant.
Genome position (GRCh38, 1-based): chr1:21,873,061, C>T on the plus strand (G>A on the coding strand, the complement: HSPG2 is on the minus strand). VCF-style: chr1-21873061-C-T. GRCh37 (hg19) VCF-style: chr1-22199554-C-T.
Other names: c.3827G>A, p.Cys1276Tyr (NM_001291860.2); short protein forms C1275Y, C1276Y.
Identifiers: ClinVar variation 4839104 (VCV004839104.2).
Genomic context (GRCh38, chr1:21,873,061, plus strand): 5'-CACTGGCACTGACCAGCAGCATCACACTGGCTGCTGACGCTGCCTTGGGGGTCACAGTTG[C>T]AGCCTATGGGCCCTGGCACCTGGCTGTCTCCTGAGGTGGAAGAAAGCCATGGCTGGAGCC-3'
Protein context (NP_005520.4, residues 1265-1285): RDSQVPGPIG[Cys1275Tyr]NCDPQGSVSS